The following is an entry in ClinVar:

NM_007294.4(BRCA1):c.4955_4956delinsAA (p.Met1652Lys)

Gene: BRCA1 (BRCA1 DNA repair associated; minus strand). Cytogenetic location: 17q21.31.
Variant type: Indel.
Coding change: c.4955_4956delinsAA on transcript NM_007294.4 (MANE Select); coding-DNA positions 4955 to 4956, TG replaced by AA.
Protein change: p.Met1652Lys; replaces methionine 1652 with lysine.
Molecular consequence: missense variant. On other transcripts: non-coding transcript variant (1).
Genome position (GRCh38, 1-based): chr17:43,070,958-43,070,959, CA replaced by TT on the plus strand (TG replaced by AA on the coding strand, the reverse complement: BRCA1 is on the minus strand). VCF-style: chr17-43070958-CA-TT. GRCh37 (hg19) VCF-style: chr17-41222975-CA-TT.
Other names: c.4742_4743delTGinsAA, p.Met1581Lys (NM_001407571.1, NM_001407894.1, NM_001407895.1 and 12 more transcripts); c.5021_5022delTGinsAA, p.Met1674Lys (NM_001407581.1, NM_001407582.1); c.5018_5019delTGinsAA, p.Met1673Lys (NM_001407583.1, NM_001407585.1, NM_001407587.1); c.5015_5016delTGinsAA, p.Met1672Lys (NM_001407590.1, NM_001407591.1); c.4955_4956delTGinsAA, p.Met1652Lys (NM_001407593.1, NM_001407594.1, NM_001407596.1 and 9 more transcripts); c.4952_4953delTGinsAA, p.Met1651Lys (NM_001407610.1, NM_001407611.1, NM_001407612.1 and 17 more transcripts); c.4949_4950delTGinsAA, p.Met1650Lys (NM_001407627.1, NM_001407628.1, NM_001407629.1 and 14 more transcripts); c.4946_4947delTGinsAA, p.Met1649Lys (NM_001407644.1, NM_001407645.1); and 73 more; short protein forms M1673K, M1605K, M1652K, M548K, M1498K, M1523K, M1525K, M1582K.
Identifiers: ClinVar variation 665843 (VCV000665843.11), dbSNP rs1597830347, ClinGen allele CA915950102.
Genomic context (GRCh38, chr17:43,070,958, plus strand): 5'-CATTAGGGAGATACATATGGATACACTCACAAATTCTTCTGGGGTCAGGCCAGACACCAC[CA>TT]TGGACATTCTTTTGTTGACCCTTTCTGTTGAAGCTGTCAATTCTGGCTTCTCCCTGCTCA-3'
Protein context (NP_009225.1, residues 1642-1662): STERVNKRMS[Met1652Lys]VVSGLTPEEF

ClinVar aggregate classification (germline): Conflicting classifications of pathogenicity. Review status: criteria provided, conflicting classifications (1 of 4 stars). 3 submissions from 3 submitters: Likely pathogenic (1); Uncertain significance (2). Last evaluated 2024-09-12.

Conditions:
Breast and/or ovarian cancer. Identifiers: MedGen CN221562.
Hereditary breast ovarian cancer syndrome. Also called: BRCA1- and BRCA2-Associated Hereditary Breast and Ovarian Cancer; Breast and ovarian cancer; Hereditary breast and ovarian cancer syndrome (HBOC); Hereditary breast and ovarian cancer; Hereditary breast and ovarian cancer syndrome; Hereditary breast and/or ovarian cancer syndrome. Identifiers: Orphanet 145, MedGen C0677776, MeSH D061325, MONDO:0003582. Disease mechanism: loss of function.
Hereditary cancer-predisposing syndrome. Also called: Tumor predisposition; Hereditary neoplastic syndrome; Neoplastic Syndromes, Hereditary; Hereditary Cancer Syndrome. Identifiers: Orphanet 140162, MedGen C0027672, MeSH D009386, MONDO:0015356.

Submissions (3):

Ambry Genetics
Classification: Likely pathogenic for Hereditary cancer-predisposing syndrome. Last evaluated: 2024-09-12. Review status: criteria provided, single submitter. Criteria: Ambry Variant Classification Scheme 2023. Collection method: clinical testing. Allele origin: germline.
Comment: The c.4955_4956delTGinsAA variant (also known as p.M1652K), located in coding exon 14 of the BRCA1 gene, results from an in-frame deletion of TG and insertion of AA at nucleotide positions 4955 to 4956. This results in the substitution of the methionine residue for a lysine residue at codon 1652, an amino acid with similar properties. This variant was reported in 1/60,466 breast cancer cases and in 0/53,461 controls (Dorling et al. N Engl J Med 2021 02;384:428-439). This alteration was shown to have a significant association with breast cancer by case-control analysis (Personal communication). In addition, this alteration is predicted to be deleterious by in silico analysis. Based on the majority of available evidence to date, this variant is likely to be pathogenic.

Labcorp Genetics (formerly Invitae), Labcorp
Classification: Uncertain significance for Hereditary breast ovarian cancer syndrome. Last evaluated: 2023-04-06. Review status: criteria provided, single submitter. Criteria: Invitae Variant Classification Sherloc (09022015). Collection method: clinical testing. Allele origin: germline.
Comment: This variant has not been reported in the literature in individuals affected with BRCA1-related conditions. In summary, the available evidence is currently insufficient to determine the role of this variant in disease. Therefore, it has been classified as a Variant of Uncertain Significance. Experimental studies have shown that this missense change affects BRCA1 function (PMID: 10811118, 28781887). An algorithm developed to predict the effect of missense changes on protein structure and function (PolyPhen-2) suggests that this variant is likely to be tolerated. ClinVar contains an entry for this variant (Variation ID: 665843). Information on the frequency of this variant in the gnomAD database is not available, as this variant may be reported differently in the database. This sequence change replaces methionine, which is neutral and non-polar, with lysine, which is basic and polar, at codon 1652 of the BRCA1 protein (p.Met1652Lys).

CHEO Genetics Diagnostic Laboratory, Children's Hospital of Eastern Ontario
Classification: Uncertain significance for Breast and/or ovarian cancer. Last evaluated: 2021-02-12. Review status: criteria provided, single submitter. Criteria: ACMG Guidelines, 2015. Collection method: clinical testing. Allele origin: germline.

Literature cited by the submitters: PubMed 33471991 (cited by Ambry Genetics); PubMed 10811118 (cited by Labcorp Genetics (formerly Invitae), Labcorp); PubMed 28781887 (cited by Labcorp Genetics (formerly Invitae), Labcorp).